The following is an entry in ClinVar:

ClinVar aggregate classification (germline): Conflicting classifications of pathogenicity. Review status: criteria provided, conflicting classifications (1 of 4 stars). 4 submissions from 4 submitters: Uncertain significance (2); Likely benign (1). 1 of the submissions does not count toward it. Last evaluated 2025-08-22.

Conditions:
COL17A1-related disorder. Also called: COL17A1-related condition.
Inborn genetic diseases. Identifiers: MedGen C0950123, MeSH D030342.
Junctional epidermolysis bullosa, non-Herlitz type. Also called: EPIDERMOLYSIS BULLOSA JUNCTIONALIS, DISENTIS TYPE; EPIDERMOLYSIS BULLOSA JUNCTIONALIS, NON-HERLITZ TYPE; EPIDERMOLYSIS BULLOSA JUNCTIONALIS, PROGRESSIVE; EPIDERMOLYSIS BULLOSA JUNCTIONALIS, SEVERE NONLETHAL; Adult junctional epidermolysis bullosa; Epidermolysis bullosa, junctional, non-herlitz type, somatic mosaic revertant. Identifiers: Orphanet 251393, Orphanet 79402, Orphanet 79405, Orphanet 89840, MedGen C0268374, MONDO:0009180, OMIM 226650.

Allele frequency attached by ClinVar (database versions not stated): gnomAD exomes 0.00007 and 0.00019; gnomAD 0.00011 and 0.00013; TOPMed 0.00011; ExAC 0.00012; ESP Exome Variant Server 0.00031.
gnomAD v4.1: 135 of 1,614,052 alleles (0.0084%); highest among the groups gnomAD compares: Non-Finnish European, 0.001%; no homozygotes.

Submissions (4):

Ambry Genetics
Classification: Uncertain significance for Inborn genetic diseases. Last evaluated: 2025-08-22. Review status: criteria provided, single submitter. Criteria: Ambry Variant Classification Scheme 2023. Collection method: clinical testing. Allele origin: germline.

Labcorp Genetics (formerly Invitae), Labcorp
Classification: Likely benign. Last evaluated: 2025-06-15. Review status: criteria provided, single submitter. Criteria: Invitae Variant Classification Sherloc (09022015). Collection method: clinical testing. Allele origin: germline.

Illumina Laboratory Services, Illumina
Classification: Uncertain significance for Junctional epidermolysis bullosa, non-Herlitz type. Last evaluated: 2018-01-12. Review status: criteria provided, single submitter. Criteria: ICSL Variant Classification Criteria 13 December 2019. Collection method: clinical testing. Allele origin: germline.

PreventionGenetics, part of Exact Sciences
Classification: Likely benign for COL17A1-related condition. Last evaluated: 2024-09-28. Review status: no assertion criteria provided. Collection method: clinical testing. Allele origin: germline. Not counted in ClinVar's aggregate classification.
Comment: This variant is classified as likely benign based on ACMG/AMP sequence variant interpretation guidelines (Richards et al. 2015 PMID: 25741868, with internal and published modifications).

NM_000494.4(COL17A1):c.1081C>G (p.Leu361Val)

Gene: COL17A1 (collagen type XVII alpha 1 chain; minus strand). Cytogenetic location: 10q25.1.
Variant type: single nucleotide variant.
Coding change: c.1081C>G on transcript NM_000494.4 (MANE Select); coding-DNA position 1081, C replaced by G.
Protein change: p.Leu361Val; replaces leucine 361 with valine.
Molecular consequence: missense variant.
Genome position (GRCh38, 1-based): chr10:104,060,179, G>C on the plus strand (C>G on the coding strand, the complement: COL17A1 is on the minus strand). VCF-style: chr10-104060179-G-C. GRCh37 (hg19) VCF-style: chr10-105819937-G-C.
Other names: c.1081C>G, p.Leu361Val (LRG_1249t1); short protein forms L361V.
Identifiers: ClinVar variation 298741 (VCV000298741.16), dbSNP rs151052547, ClinGen allele CA5679175.